The following is an entry in ClinVar:

ClinVar aggregate classification (germline): Uncertain significance (1 of 4 stars; one submission).

Conditions:
Autosomal dominant childhood-onset proximal spinal muscular atrophy with contractures (SMALED2A). Also called: SPINAL MUSCULAR ATROPHY, LOWER EXTREMITY-PREDOMINANT, 2A, CHILDHOOD ONSET, AUTOSOMAL DOMINANT; Spinal muscular atrophy, lower extremity-predominant, 2A, autosomal dominant. Identifiers: Orphanet 363447, Orphanet 363454, MedGen C4747715, MONDO:0014121, OMIM 615290.

Allele frequency attached by ClinVar (database versions not stated): TOPMed below 0.00001; ExAC 0.00003.
gnomAD v4.1: 13 of 1,608,106 alleles (0.00081%); highest among the groups gnomAD compares: Non-Finnish European, 0.001%; no homozygotes.

Submission:

Labcorp Genetics (formerly Invitae), Labcorp
Classification: Uncertain significance for Autosomal dominant childhood-onset proximal spinal muscular atrophy with contractures. Last evaluated: 2023-01-13. Review status: criteria provided, single submitter. Criteria: Invitae Variant Classification Sherloc (09022015). Collection method: clinical testing. Allele origin: germline.
Comment: In summary, the available evidence is currently insufficient to determine the role of this variant in disease. Therefore, it has been classified as a Variant of Uncertain Significance. Advanced modeling of protein sequence and biophysical properties (such as structural, functional, and spatial information, amino acid conservation, physicochemical variation, residue mobility, and thermodynamic stability) performed at Invitae indicates that this missense variant is not expected to disrupt BICD2 protein function. This variant has not been reported in the literature in individuals affected with BICD2-related conditions. This variant is present in population databases (rs753160316, gnomAD 0.003%). This sequence change replaces threonine, which is neutral and polar, with serine, which is neutral and polar, at codon 573 of the BICD2 protein (p.Thr573Ser).

NM_001003800.2(BICD2):c.1718C>G (p.Thr573Ser)

Gene: BICD2 (BICD cargo adaptor 2; minus strand). Cytogenetic location: 9q22.31.
Variant type: single nucleotide variant.
Coding change: c.1718C>G on transcript NM_001003800.2 (MANE Select); coding-DNA position 1718, C replaced by G.
Protein change: p.Thr573Ser; replaces threonine 573 with serine.
Molecular consequence: missense variant.
Genome position (GRCh38, 1-based): chr9:92,718,927, G>C on the plus strand (C>G on the coding strand, the complement: BICD2 is on the minus strand). VCF-style: chr9-92718927-G-C. GRCh37 (hg19) VCF-style: chr9-95481209-G-C.
Other names: c.1718C>G, p.Thr573Ser (NM_015250.4); short protein forms T573S.
Identifiers: ClinVar variation 2151844 (VCV002151844.4), dbSNP rs753160316, ClinGen allele CA5126501.